The following is an entry in ClinVar:

NM_003835.4(RGS9):c.383G>C (p.Arg128Pro)

Gene: RGS9 (regulator of G protein signaling 9; plus strand). Cytogenetic location: 17q24.1.
Variant type: single nucleotide variant.
Coding change: c.383G>C on transcript NM_003835.4 (MANE Select); coding-DNA position 383, G replaced by C.
Protein change: p.Arg128Pro; replaces arginine 128 with proline.
Molecular consequence: missense variant.
Genome position (GRCh38, 1-based): chr17:65,160,869, G>C. VCF-style: chr17-65160869-G-C. GRCh37 (hg19) VCF-style: chr17-63156987-G-C.
Other names: c.383G>C, p.Arg128Pro (NM_001081955.3, NM_001165933.2); short protein forms R128P.
Identifiers: ClinVar variation 1507162 (VCV001507162.8), dbSNP rs755297304, ClinGen allele CA400664689.

ClinVar aggregate classification (germline): Uncertain significance (1 of 4 stars; one submission).

Submission:

Labcorp Genetics (formerly Invitae), Labcorp
Classification: Uncertain significance. Last evaluated: 2020-12-09. Review status: criteria provided, single submitter. Criteria: Invitae Variant Classification Sherloc (09022015). Collection method: clinical testing. Allele origin: germline.
Comment: This variant is not present in population databases (ExAC no frequency). This variant has not been reported in the literature in individuals with RGS9-related conditions. Algorithms developed to predict the effect of missense changes on protein structure and function are either unavailable or do not agree on the potential impact of this missense change (SIFT: "Deleterious"; PolyPhen-2: "Possibly Damaging"; Align-GVGD: "Class C0"). In summary, the available evidence is currently insufficient to determine the role of this variant in disease. Therefore, it has been classified as a Variant of Uncertain Significance. This sequence change replaces arginine with proline at codon 128 of the RGS9 protein (p.Arg128Pro). The arginine residue is moderately conserved and there is a moderate physicochemical difference between arginine and proline.